The following is an entry in ClinVar:

ClinVar aggregate classification (germline): Likely pathogenic. Review status: criteria provided, multiple submitters, no conflicts (2 of 4 stars). 8 submissions from 8 submitters: Likely pathogenic (8). Last evaluated 2025-10-20.

Conditions:
LZTR1-related schwannomatosis. Also called: Schwannomatosis 2; Schwannomatosis-2, susceptibility to. Identifiers: Orphanet 93921, MedGen C3810283, MONDO:0014299, OMIM 615670.
Hereditary cancer-predisposing syndrome. Also called: Neoplastic Syndromes, Hereditary; Hereditary Cancer Syndrome; Tumor predisposition; Hereditary neoplastic syndrome. Identifiers: Orphanet 140162, MedGen C0027672, MeSH D009386, MONDO:0015356.
Cardiovascular phenotype. Identifiers: MedGen CN230736.
LZTR1-related disorder. Also called: LZTR1-related disorders; LZTR1-related condition.

Allele frequency attached by ClinVar (database versions not stated): ExAC 0.00001.
gnomAD v4.1: 11 of 1,613,012 alleles (0.00068%); highest among the groups gnomAD compares: South Asian, 0.0011%; no homozygotes.

Submissions (8):

Labcorp Genetics (formerly Invitae), Labcorp
Classification: Likely pathogenic. Last evaluated: 2025-10-20. Review status: criteria provided, single submitter. Criteria: Invitae Variant Classification Sherloc (09022015). Collection method: clinical testing. Allele origin: germline.
Comment: This sequence change affects an acceptor splice site in intron 9 of the LZTR1 gene. It is expected to disrupt RNA splicing. Variants that disrupt the donor or acceptor splice site typically lead to a loss of protein function (PMID: 16199547), and loss-of-function variants in LZTR1 are known to be pathogenic (PMID: 24362817, 25335493, 25480913, 25795793, 29469822, 30368668, 30442762, 30442766, 30481304, 30859559). This variant is present in population databases (rs758238174, gnomAD 0.003%). This variant has not been reported in the literature in individuals affected with LZTR1-related conditions. ClinVar contains an entry for this variant (Variation ID: 1300479). Algorithms developed to predict the effect of sequence changes on RNA splicing suggest that this variant may disrupt the consensus splice site. In summary, the currently available evidence indicates that the variant is pathogenic, but additional data are needed to prove that conclusively. Therefore, this variant has been classified as Likely Pathogenic.

GeneDx
Classification: Likely pathogenic. Last evaluated: 2025-09-29. Review status: criteria provided, single submitter. Criteria: GeneDx Variant Classification Process June 2021. Collection method: clinical testing. Allele origin: germline. Affected: yes.
Comment: Canonical splice site variant predicted to result in an in-frame loss of the adjacent exon in a gene for which loss of function is a known mechanism of disease; Not observed at significant frequency in large population cohorts (gnomAD); Has not been previously published as pathogenic or benign to our knowledge

PreventionGenetics, part of Exact Sciences
Classification: Likely pathogenic for LZTR1-related condition. Last evaluated: 2025-04-10. Review status: criteria provided, single submitter. Criteria: ACMG Guidelines, 2015. Collection method: clinical testing. Allele origin: germline.
Comment: The LZTR1 c.994-1G>T variant is predicted to disrupt the AG splice acceptor site and interfere with normal splicing. To our knowledge, this variant has not been reported in the literature. However, other nucleotide substitutions impacting the same splice acceptor site have also been reported in individuals with non-small cell lung cancer (c.994-2A>G in Wang et al. 2022. PubMed ID: 36113475) and clinical suspicion of hereditary cancer syndromes (c.994-1G>A; PreventionGenetics internal data). This variant is reported in 0.0031% of alleles in individuals of European (non-Finnish) descent in gnomAD and is classified as likely pathogenic by multiple laboratories in ClinVar. Variants that disrupt the consensus splice acceptor site in LZTR1 are expected to be pathogenic. Taken together, the c.994-1G>T variant is interpreted as likely pathogenic.

Revvity Omics, Revvity
Classification: Likely pathogenic. Last evaluated: 2025-03-27. Review status: criteria provided, single submitter. Criteria: ACMG Guidelines, 2015. Collection method: clinical testing. Allele origin: germline.

Ambry Genetics
Classification: Likely pathogenic for Cardiovascular phenotype; Hereditary cancer-predisposing syndrome. Last evaluated: 2025-03-03. Review status: criteria provided, single submitter. Criteria: Ambry Variant Classification Scheme 2023. Collection method: clinical testing. Allele origin: germline.
Comment: The c.994-1G>T intronic variant results from a G to T substitution one nucleotide upstream from coding exon 10 of the LZTR1 gene. This nucleotide position is highly conserved in available vertebrate species. In silico splice site analysis predicts that this alteration will weaken the native splice acceptor site and will result in the creation or strengthening of a novel splice acceptor site. RNA studies have demonstrated that this alteration results in abnormal splicing in the set of samples tested (Ambry internal data). Other alterations impacting the same native acceptor site (c.994-1G>C and c.994-2A>G) have been shown to have a similar impact on splicing (Ambry internal data). Furthermore, alterations that disrupt the canonical splice site are expected to cause aberrant splicing, resulting in an abnormal protein or a transcript that is subject to nonsense-mediated mRNA decay. Loss-of-function variants in LZTR1 are related to an increased risk for schwannomas and autosomal recessive Noonan syndrome; however, such associations with autosomal dominant Noonan syndrome have not been observed (Piotrowski A et al. Nat Genet. 2014 Feb;46:182-7; Yamamoto GL et al. J Med Genet. 2015 Jun;52:413-21; Johnston JJ et al. Genet Med. 2018 10;20:1175-1185). Based on the supporting evidence, c.994-1G>T is likely pathogenic for an increased risk of nerve sheath tumors and would be expected to cause autosomal recessive Noonan syndrome when present along with a second pathogenic or likely pathogenic variant on the other allele; however, the association of this alteration with autosomal dominant Noonan syndrome is unlikely.

Blueprint Genetics
Classification: Likely pathogenic for LZTR1-related disorders. Last evaluated: 2024-10-14. Review status: criteria provided, single submitter. Criteria: ACMG Guidelines, 2015. Collection method: clinical testing. Allele origin: germline. Affected: yes. Observed: 3 variant alleles.

Mayo Clinic Laboratories, Mayo Clinic
Classification: Likely pathogenic. Last evaluated: 2024-05-23. Review status: criteria provided, single submitter. Criteria: ACMG Guidelines, 2015. Collection method: clinical testing. Allele origin: germline. Observed: 1 variant allele.
Comment: PM2, PS3_supporting, PVS1

Baylor Genetics
Classification: Likely pathogenic for LZTR1-related schwannomatosis. Last evaluated: 2024-01-30. Review status: criteria provided, single submitter. Criteria: ACMG Guidelines, 2015. Collection method: clinical testing. Allele origin: unknown.

Literature cited by the submitters: PubMed 16199547 (cited by Labcorp Genetics (formerly Invitae), Labcorp); PubMed 24362817 (cited by Labcorp Genetics (formerly Invitae), Labcorp); PubMed 25335493 (cited by Labcorp Genetics (formerly Invitae), Labcorp); PubMed 25480913 (cited by Labcorp Genetics (formerly Invitae), Labcorp); PubMed 25795793 (cited by Labcorp Genetics (formerly Invitae), Labcorp); PubMed 29469822 (cited by Labcorp Genetics (formerly Invitae), Labcorp and Mayo Clinic Laboratories, Mayo Clinic); PubMed 30368668 (cited by Labcorp Genetics (formerly Invitae), Labcorp and Mayo Clinic Laboratories, Mayo Clinic); PubMed 30442762 (cited by Labcorp Genetics (formerly Invitae), Labcorp); PubMed 30442766 (cited by Labcorp Genetics (formerly Invitae), Labcorp); PubMed 30481304 (cited by Labcorp Genetics (formerly Invitae), Labcorp); PubMed 30859559 (cited by Labcorp Genetics (formerly Invitae), Labcorp); PubMed 35840934 (cited by Mayo Clinic Laboratories, Mayo Clinic).

NM_006767.4(LZTR1):c.994-1G>T

Gene: LZTR1 (leucine zipper like post translational regulator 1; plus strand). Cytogenetic location: 22q11.21.
Variant type: single nucleotide variant.
Coding change: c.994-1G>T on transcript NM_006767.4 (MANE Select); the canonical splice acceptor site of the intron before coding-DNA position 994, G replaced by T.
Molecular consequence: splice acceptor variant.
Genome position (GRCh38, 1-based): chr22:20,992,213, G>T. VCF-style: chr22-20992213-G-T. GRCh37 (hg19) VCF-style: chr22-21346502-G-T.
Identifiers: ClinVar variation 1300479 (VCV001300479.21), dbSNP rs758238174, ClinGen allele CA10118692.
Genomic context (GRCh38, chr22:20,992,213, plus strand): 5'-CTCTGGGCACCTACCTGGCCCTTGCCAACTGGTCTCATGCCCATGTGTCTCCCCTCTTCA[G>T]GTTGGTGGGGCTGAAGTGCCCGAGCGAGCCTGTGCTTCCGAGGAGGTGCCCACCCTGACC-3'